The following is an entry in ClinVar:

NM_000219.6(KCNE1):c.344T>A (p.Ile115Lys)

Gene: KCNE1 (potassium voltage-gated channel subfamily E regulatory subunit 1; minus strand). Cytogenetic location: 21q22.12.
Variant type: single nucleotide variant.
Coding change: c.344T>A on transcript NM_000219.6 (MANE Select); coding-DNA position 344, T replaced by A.
Protein change: p.Ile115Lys; replaces isoleucine 115 with lysine.
Molecular consequence: missense variant.
Genome position (GRCh38, 1-based): chr21:34,449,291, A>T on the plus strand (T>A on the coding strand, the complement: KCNE1 is on the minus strand). VCF-style: chr21-34449291-A-T. GRCh37 (hg19) VCF-style: chr21-35821589-A-T.
Other names: c.344T>A, p.Ile115Lys (NM_001127668.4, NM_001127669.4, NM_001127670.4 and 4 more transcripts); short protein forms I115K.
Identifiers: ClinVar variation 3373776 (VCV003373776.2).

Conditions:
Long QT syndrome 5 (LQT5). Identifiers: Orphanet 101016, Orphanet 768, MedGen C1867904, MONDO:0013372, OMIM 613695.

Submission:

Roden Lab, Vanderbilt University Medical Center
No classification provided (evidence only). Condition: Long QT syndrome 5. Review status: no classification provided. Collection method: in vitro. Allele origin: not applicable. Functional consequence: Effect on ion channel function.
ClinVar note: "not provided" was previously submitted as the classification for the variant. However, the classification appeared to be based only on an observation of functional data so it was converted to no classification on 2025-07-30.